The following is an entry in ClinVar:

ClinVar aggregate classification (germline): Uncertain significance (1 of 4 stars; one submission).

Conditions:
Glycogen storage disease type III (GSD3). Also called: Cori disease; FORBES DISEASE. Identifiers: Orphanet 366, MedGen C0017922, MONDO:0009291, OMIM 232400.

Allele frequency attached by ClinVar (database versions not stated): gnomAD exomes 0.00001.
gnomAD v4.1: 6 of 1,608,770 alleles (0.00037%); highest among the groups gnomAD compares: Non-Finnish European, 0.00051%; no homozygotes.

Submission:

Labcorp Genetics (formerly Invitae), Labcorp
Classification: Uncertain significance for Glycogen storage disease type III. Last evaluated: 2021-08-31. Review status: criteria provided, single submitter. Criteria: Invitae Variant Classification Sherloc (09022015). Collection method: clinical testing. Allele origin: germline.
Comment: This sequence change replaces valine with glycine at codon 1313 of the AGL protein (p.Val1313Gly). The valine residue is moderately conserved and there is a moderate physicochemical difference between valine and glycine. This variant is not present in population databases (ExAC no frequency). This variant has not been reported in the literature in individuals affected with AGL-related conditions. Algorithms developed to predict the effect of missense changes on protein structure and function (SIFT, PolyPhen-2, Align-GVGD) all suggest that this variant is likely to be tolerated. In summary, the available evidence is currently insufficient to determine the role of this variant in disease. Therefore, it has been classified as a Variant of Uncertain Significance.

NM_000642.3(AGL):c.3938T>G (p.Val1313Gly)

Gene: AGL (amylo-alpha-1,6-glucosidase and 4-alpha-glucanotransferase; plus strand). Cytogenetic location: 1p21.2.
Variant type: single nucleotide variant.
Coding change: c.3938T>G on transcript NM_000642.3 (MANE Select); coding-DNA position 3938, T replaced by G.
Protein change: p.Val1313Gly; replaces valine 1313 with glycine.
Molecular consequence: missense variant.
Genome position (GRCh38, 1-based): chr1:99,912,506, T>G. VCF-style: chr1-99912506-T-G. GRCh37 (hg19) VCF-style: chr1-100378062-T-G.
Other names: c.3938T>G, p.Val1313Gly (NM_000028.3, NM_000643.3, NM_000644.3 and 1 more transcripts); c.3890T>G, p.Val1297Gly (NM_000646.3); c.3917T>G, p.Val1306Gly (NM_001425326.1); c.3737T>G, p.Val1246Gly (NM_001425327.1); c.3734T>G, p.Val1245Gly (NM_001425328.1); c.3599T>G, p.Val1200Gly (NM_001425329.1); c.3560T>G, p.Val1187Gly (NM_001425332.1); short protein forms V1313G, V1297G, V1187G, V1200G, V1245G, V1246G, V1306G.
Identifiers: ClinVar variation 572367 (VCV000572367.6), dbSNP rs1557789904, ClinGen allele CA341339117.
Genomic context (GRCh38, chr1:99,912,506, plus strand): 5'-CTGTTCGCTGGTTGCTGGAATTATCCAAAAAAAATATTTTCCCTTATCATGAAGTCACAG[T>G]AAAAAGACATGGTAAGCTGGTTATTTTATTTACAAAGAACCTTCAAATGTACTATGTATA-3'
Protein context (NP_000633.2, residues 1303-1323): KNIFPYHEVT[Val1313Gly]KRHGKAIKVS